The following is an entry in ClinVar:

ClinVar aggregate classification (germline): Uncertain significance. Review status: criteria provided, multiple submitters, no conflicts (2 of 4 stars). 3 submissions from 3 submitters: Uncertain significance (3). Last evaluated 2025-06-15.

Conditions:
Cardiovascular phenotype. Identifiers: MedGen CN230736.
LAMA4-related disorder. Also called: LAMA4-related condition.
Dilated cardiomyopathy 1JJ (CMD1JJ). Identifiers: Orphanet 154, MedGen C3808935, MONDO:0014095, OMIM 615235.

Allele frequency attached by ClinVar (database versions not stated): gnomAD 0.00001; ESP Exome Variant Server 0.00008.
gnomAD v4.1: 19 of 1,612,636 alleles (0.0012%); highest among the groups gnomAD compares: Non-Finnish European, 0.0016%; 1 homozygote.

Submissions (3):

Ambry Genetics
Classification: Uncertain significance for Cardiovascular phenotype. Last evaluated: 2025-06-15. Review status: criteria provided, single submitter. Criteria: Ambry Variant Classification Scheme 2023. Collection method: clinical testing. Allele origin: germline.
Comment: The p.P1401L variant (also known as c.4202C>T), located in coding exon 30 of the LAMA4 gene, results from a C to T substitution at nucleotide position 4202. The proline at codon 1401 is replaced by leucine, an amino acid with similar properties. This amino acid position is conserved. In addition, the in silico prediction for this alteration is inconclusive. Since supporting evidence is limited at this time, the clinical significance of this alteration remains unclear.

PreventionGenetics, part of Exact Sciences
Classification: Uncertain significance for LAMA4-related condition. Last evaluated: 2023-02-01. Review status: criteria provided, single submitter. Criteria: ACMG Guidelines, 2015. Collection method: clinical testing. Allele origin: germline.
Comment: The LAMA4 c.4202C>T variant is predicted to result in the amino acid substitution p.Pro1401Leu. To our knowledge, this variant has not been reported in the literature. This variant is reported in 0.0035% of alleles in individuals of European (Non-Finnish) descent in gnomAD. At this time, the clinical significance of this variant is uncertain due to the absence of conclusive functional and genetic evidence.

Labcorp Genetics (formerly Invitae), Labcorp
Classification: Uncertain significance for Dilated cardiomyopathy 1JJ. Last evaluated: 2022-03-09. Review status: criteria provided, single submitter. Criteria: Invitae Variant Classification Sherloc (09022015). Collection method: clinical testing. Allele origin: germline.
Comment: In summary, the available evidence is currently insufficient to determine the role of this variant in disease. Therefore, it has been classified as a Variant of Uncertain Significance. Algorithms developed to predict the effect of missense changes on protein structure and function (SIFT, PolyPhen-2, Align-GVGD) all suggest that this variant is likely to be disruptive. ClinVar contains an entry for this variant (Variation ID: 646942). This variant has not been reported in the literature in individuals affected with LAMA4-related conditions. This variant is present in population databases (rs148968696, gnomAD 0.004%). This sequence change replaces proline, which is neutral and non-polar, with leucine, which is neutral and non-polar, at codon 1401 of the LAMA4 protein (p.Pro1401Leu).

NM_001105206.3(LAMA4):c.4223C>T (p.Pro1408Leu)

Gene: LAMA4 (laminin subunit alpha 4; minus strand). Cytogenetic location: 6q21.
Variant type: single nucleotide variant.
Coding change: c.4223C>T on transcript NM_001105206.3 (MANE Select); coding-DNA position 4223, C replaced by T.
Protein change: p.Pro1408Leu; replaces proline 1408 with leucine.
Molecular consequence: missense variant.
Genome position (GRCh38, 1-based): chr6:112,128,986, G>A on the plus strand (C>T on the coding strand, the complement: LAMA4 is on the minus strand). VCF-style: chr6-112128986-G-A. GRCh37 (hg19) VCF-style: chr6-112450188-G-A.
Other names: c.4202C>T, p.Pro1401Leu (NM_001105207.3, NM_002290.5); short protein forms P1401L, P1408L.
Identifiers: ClinVar variation 646942 (VCV000646942.12), dbSNP rs148968696, ClinGen allele CA3965031.